The following is an entry in ClinVar:

NM_000044.6(AR):c.1747TTC[1] (p.Phe584del)

Gene: AR (androgen receptor; plus strand). Cytogenetic location: Xq12.
Variant type: Microsatellite.
Coding change: c.1747TTC[1] on transcript NM_000044.6 (MANE Select); one copy of the 3-base unit TTC starting at c.1747; the reference has two copies in a row; one copy, 3 bases deleted.
Protein change: p.Phe584del; deletes phenylalanine 584.
Molecular consequence: inframe deletion. On other transcripts: intron variant (1).
Genome position (GRCh38, 1-based): chrX:67,643,389-67,643,391, TTC deleted; deleting any 3 consecutive bases within chrX:67,643,384-67,643,391 gives the same sequence; the position shown is the placement nearest the transcript's 3' end. VCF-style (leftmost placement, unchanged base first): chrX-67643383-GTCT-G. GRCh37 (hg19) VCF-style: chrX-66863225-GTCT-G.
Other names: c.151TTC[1], p.Phe52del (NM_001011645.3); c.1747TTC[1], p.Phe584del (NM_001348061.1, NM_001348063.1); c.1617-42552_1617-42550del (NM_001348064.1); short protein forms F52del, F584del.
Identifiers: ClinVar variation 3759644 (VCV003759644.2).
Genomic context (GRCh38, chrX:67,643,383, plus strand): 5'-ATCTGTGGAGATGAAGCTTCTGGGTGTCACTATGGAGCTCTCACATGTGGAAGCTGCAAG[GTCT>G]TCTTCAAAAGAGCCGCTGAAGGTAAAGGGTCTTGCACATGCACTTCTCTTTCCCTTTCTC-3'

ClinVar aggregate classification (germline): Pathogenic (1 of 4 stars; one submission).

Conditions:
Kennedy disease (SMAX1). Also called: SPINAL AND BULBAR MUSCULAR ATROPHY, X-LINKED 1; KENNEDY SPINAL AND BULBAR MUSCULAR ATROPHY; Spinal and Bulbar Muscular Atrophy. Identifiers: Orphanet 481, MedGen C1839259, MONDO:0010735, OMIM 313200.
Androgen resistance syndrome (AIS). Also called: ANDROGEN RECEPTOR DEFICIENCY; DIHYDROTESTOSTERONE RECEPTOR DEFICIENCY; TESTICULAR FEMINIZATION SYNDROME; Androgen insensitivity syndrome; Androgen insensitivity; DHTR DEFICIENCY. Identifiers: Orphanet 754, Orphanet 99429, MedGen C0039585, MONDO:0019154, OMIM 300068. Disease mechanism: loss of function.

Submission:

Labcorp Genetics (formerly Invitae), Labcorp
Classification: Pathogenic for Kennedy disease; Androgen resistance syndrome. Last evaluated: 2025-03-20. Review status: criteria provided, single submitter. Criteria: Invitae Variant Classification Sherloc (09022015). Collection method: clinical testing. Allele origin: germline.
Comment: This variant, c.1750_1752del, results in the deletion of 1 amino acid(s) of the AR protein (p.Phe584del), but otherwise preserves the integrity of the reading frame. This variant is not present in population databases (gnomAD no frequency). This variant has been observed in individual(s) with complete androgen insensitivity syndrome (PMID: 8162033, 10690872, 30165367). This variant is also known as deltaPhe581, Phe582del or deltaPhe583. Algorithms developed to predict the effect of variants on gene product structure and function are not available or were not evaluated for this variant. Experimental studies have shown that this variant affects AR function (PMID: 8162033). For these reasons, this variant has been classified as Pathogenic.

Literature cited by the submitters: PubMed 8162033; PubMed 10690872; PubMed 30165367.